The following is an entry in ClinVar:

NM_004006.3(DMD):c.10879A>G (p.Met3627Val)

Gene: DMD (dystrophin; minus strand). Cytogenetic location: Xp21.2.
Variant type: single nucleotide variant.
Coding change: c.10879A>G on transcript NM_004006.3 (MANE Select); coding-DNA position 10879, A replaced by G.
Protein change: p.Met3627Val; replaces methionine 3627 with valine.
Molecular consequence: missense variant.
Genome position (GRCh38, 1-based): chrX:31,146,333, T>C on the plus strand (A>G on the coding strand, the complement: DMD is on the minus strand). VCF-style: chrX-31146333-T-C. GRCh37 (hg19) VCF-style: chrX-31164450-T-C.
Other names: c.10855A>G, p.Met3619Val (NM_000109.4); c.10867A>G, p.Met3623Val (NM_004009.3); c.10510A>G, p.Met3504Val (NM_004010.3); c.6856A>G, p.Met2286Val (NM_004011.4); c.6847A>G, p.Met2283Val (NM_004012.4); c.3499A>G, p.Met1167Val (NM_004013.3, NM_004021.3); c.2692A>G, p.Met898Val (NM_004014.3); c.1675A>G, p.Met559Val (NM_004015.3, NM_004016.3); and 3 more; short protein forms M3627V, M1167V, M1057V, M3619V, M1154V, M2286V, M3504V, M3623V.
Identifiers: ClinVar variation 291040 (VCV000291040.11), dbSNP rs886044628, ClinGen allele CA10606994.

ClinVar aggregate classification (germline): Uncertain significance. Review status: criteria provided, multiple submitters, no conflicts (2 of 4 stars). 5 submissions from 5 submitters: Uncertain significance (4). 1 of the submissions does not count toward it. Last evaluated 2025-11-12.

Conditions:
Cardiomyopathy (CMYO). Also called: Cardiomyopathies. Identifiers: Orphanet 167848, MedGen C0878544, MONDO:0004994, HP:0001638. Inheritance: Various modes of inheritance.
Becker muscular dystrophy (BMD). Also called: MUSCULAR DYSTROPHY, PSEUDOHYPERTROPHIC PROGRESSIVE, BECKER TYPE; Becker Muscular Dystrophy (BMD). Identifiers: Orphanet 98895, MedGen C0917713, MONDO:0010311, OMIM 300376.
Duchenne muscular dystrophy (DMD). Also called: Duchenne Muscular Dystrophy (DMD); MUSCULAR DYSTROPHY, PSEUDOHYPERTROPHIC PROGRESSIVE, DUCHENNE TYPE. Identifiers: Orphanet 98896, MedGen C0013264, MONDO:0010679, OMIM 310200.
Dystrophin deficiency.

Allele frequency attached by ClinVar (database versions not stated): gnomAD exomes below 0.00001.
gnomAD v4.1: 5 of 1,210,973 alleles (0.00041%); highest among the groups gnomAD compares: Middle Eastern, 0.025%; no homozygotes.

Submissions (5):

Labcorp Genetics (formerly Invitae), Labcorp
Classification: Uncertain significance for Duchenne muscular dystrophy. Last evaluated: 2025-11-12. Review status: criteria provided, single submitter. Criteria: Invitae Variant Classification Sherloc (09022015). Collection method: clinical testing. Allele origin: germline.
Comment: This sequence change replaces methionine, which is neutral and non-polar, with valine, which is neutral and non-polar, at codon 3627 of the DMD protein (p.Met3627Val). This variant is not present in population databases (gnomAD no frequency). This variant has not been reported in the literature in individuals affected with DMD-related conditions. ClinVar contains an entry for this variant (Variation ID: 291040). Invitae Evidence Modeling of protein sequence and biophysical properties (such as structural, functional, and spatial information, amino acid conservation, physicochemical variation, residue mobility, and thermodynamic stability) indicates that this missense variant is not expected to disrupt DMD protein function with a negative predictive value of 95%. In summary, the available evidence is currently insufficient to determine the role of this variant in disease. Therefore, it has been classified as a Variant of Uncertain Significance.

Revvity Omics, Revvity
Classification: Uncertain significance. Last evaluated: 2022-08-02. Review status: criteria provided, single submitter. Criteria: ACMG Guidelines, 2015. Collection method: clinical testing. Allele origin: germline.

Clinical Genetics Laboratory, Skane University Hospital Lund
Classification: Uncertain significance. Last evaluated: 2022-05-27. Review status: criteria provided, single submitter. Criteria: ACMG Guidelines, 2015. Collection method: clinical testing. Allele origin: germline. Affected: yes.

Eurofins Ntd Llc (ga)
Classification: Uncertain significance. Last evaluated: 2016-08-29. Review status: criteria provided, single submitter. Criteria: EGL Classification Definitions 2015. Collection method: clinical testing. Allele origin: germline. Observed: 1 variant allele, 1 hemizygote.

Natera, Inc.
Classification: Uncertain significance for Becker muscular dystrophy; Cardiomyopathy; Duchenne muscular dystrophy; Dystrophin deficiency. Last evaluated: 2019-01-08. Review status: no assertion criteria provided. Collection method: clinical testing. Allele origin: germline. Not counted in ClinVar's aggregate classification.